The following is an entry in ClinVar:

NM_001164508.2(NEB):c.12819del (p.Lys4274fs)

Gene: NEB (nebulin; minus strand). Cytogenetic location: 2q23.3.
Variant type: Deletion.
Coding change: c.12819del on transcript NM_001164508.2 (MANE Select); coding-DNA position 12819, one base deleted (C; older notation c.12819delC).
Protein change: p.Lys4274fs; shifts the reading frame from lysine 4274.
Molecular consequence: frameshift variant. On other transcripts: intron variant (1).
Genome position (GRCh38, 1-based): chr2:151,604,800, G deleted on the plus strand (C on the coding strand, the reverse complement: NEB is on the minus strand); the first of 4 consecutive G bases (chr2:151,604,800-151,604,803); deleting any one gives the same sequence. VCF-style (leftmost placement, unchanged base first): chr2-151604799-TG-T. GRCh37 (hg19) VCF-style: chr2-152461313-TG-T.
Other names: c.12819del, p.Lys4274fs (NM_001164507.2, NM_001271208.2); c.11601+5009del (NM_004543.5); short protein forms K4274fs.
Identifiers: ClinVar variation 1451624 (VCV001451624.6), dbSNP rs2153940505, ClinGen allele CA2573133419.

ClinVar aggregate classification (germline): Pathogenic (1 of 4 stars; one submission).

Conditions:
Nemaline myopathy 2 (NEM2). Also called: Nemaline myopathy 2, autosomal recessive. Identifiers: MedGen C1850569, MONDO:0009725, OMIM 256030.

Submission:

Labcorp Genetics (formerly Invitae), Labcorp
Classification: Pathogenic for Nemaline myopathy 2. Last evaluated: 2021-09-21. Review status: criteria provided, single submitter. Criteria: Invitae Variant Classification Sherloc (09022015). Collection method: clinical testing. Allele origin: germline.
Comment: The frequency data for this variant in the population databases (ExAC) is considered unreliable due to the presence of homologous sequence, such as pseudogenes or paralogs, in the genome. This sequence change creates a premature translational stop signal (p.Lys4274Serfs*34) in the NEB gene. It is expected to result in an absent or disrupted protein product. Loss-of-function variants in NEB are known to be pathogenic (PMID: 25205138). This variant has not been reported in the literature in individuals affected with NEB-related conditions. This variant occurs in a region of NEB (Exons 82-105) consisting of three highly homologous 8-exon repeat units (exons 82-89, exons 90-97, exons 98-105). Sequence variants in this region can be detected, but this assay cannot determine which of the three repeat units is affected, and zygosity is often ambiguous. All variants in this region are reported relative to the exon 82-89 repeat. For these reasons, this variant has been classified as Pathogenic.

Literature cited by the submitters: PubMed 25205138.